The following is an entry in ClinVar:

ClinVar aggregate classification (germline): Benign/Likely benign. Review status: criteria provided, multiple submitters, no conflicts (2 of 4 stars). 10 submissions from 10 submitters: Benign (1); Likely benign (8). 1 of the submissions does not count toward it. Last evaluated 2025-10-06.

Conditions:
BARD1-related disorder. Also called: BARD1-related condition.
Hereditary cancer-predisposing syndrome. Also called: Neoplastic Syndromes, Hereditary; Hereditary neoplastic syndrome; Tumor predisposition; Hereditary Cancer Syndrome. Identifiers: Orphanet 140162, MedGen C0027672, MeSH D009386, MONDO:0015356.
Familial cancer of breast. Also called: Hereditary breast cancer; BREAST CANCER, FAMILIAL; hereditary breast carcinoma. Identifiers: Orphanet 227535, MedGen C0346153, MONDO:0016419, OMIM 114480. Disease mechanism: loss of function.

Allele frequency attached by ClinVar (database versions not stated): ESP Exome Variant Server 0.00008; TOPMed 0.00002.
gnomAD v4.1: 28 of 1,613,986 alleles (0.0017%); highest among the groups gnomAD compares: East Asian, 0.0022%; no homozygotes.

Submissions (10):

Labcorp Genetics (formerly Invitae), Labcorp
Classification: Likely benign for Familial cancer of breast. Last evaluated: 2025-10-06. Review status: criteria provided, single submitter. Criteria: Invitae Variant Classification Sherloc (09022015). Collection method: clinical testing. Allele origin: germline.

Center for Genomic Medicine, Rigshospitalet, Copenhagen University Hospital
Classification: Likely benign. Last evaluated: 2025-03-04. Review status: criteria provided, single submitter. Criteria: ACMG Guidelines, 2015. Collection method: clinical testing. Allele origin: germline.

Quest Diagnostics Nichols Institute San Juan Capistrano
Classification: Likely benign. Last evaluated: 2024-12-06. Review status: criteria provided, single submitter. Criteria: Quest Diagnostics criteria. Collection method: clinical testing. Allele origin: unknown.

Ambry Genetics
Classification: Likely benign for Hereditary cancer-predisposing syndrome. Last evaluated: 2024-08-14. Review status: criteria provided, single submitter. Criteria: Ambry Variant Classification Scheme 2023. Collection method: clinical testing. Allele origin: germline.

Myriad Genetics, Inc.
Classification: Benign for Familial cancer of breast. Last evaluated: 2024-07-25. Review status: criteria provided, single submitter. Criteria: Myriad Autosomal Dominant, Autosomal Recessive and X-Linked Classification Criteria (2023). Collection method: clinical testing. Allele origin: unknown.
Comment: This variant is considered benign. This variant is a silent/synonymous amino acid change and it is not expected to impact splicing.

Women's Health and Genetics/Laboratory Corporation of America, LabCorp
Classification: Likely benign. Last evaluated: 2022-09-19. Review status: criteria provided, single submitter. Criteria: LabCorp Variant Classification Summary - May 2015. Collection method: clinical testing. Allele origin: germline.

CeGaT Center for Human Genetics Tuebingen
Classification: Likely benign. Last evaluated: 2022-09-01. Review status: criteria provided, single submitter. Criteria: CeGaT Center For Human Genetics Tuebingen Variant Classification Criteria Version 2. Collection method: clinical testing. Allele origin: germline. Affected: yes. Observed: 1 variant allele.
Comment: BARD1: BP4, BP7

Color Diagnostics, LLC DBA Color Health
Classification: Likely benign for Hereditary cancer-predisposing syndrome. Last evaluated: 2018-07-17. Review status: criteria provided, single submitter. Criteria: ACMG Guidelines, 2015. Collection method: clinical testing. Allele origin: germline.

GeneDx
Classification: Likely benign. Last evaluated: 2016-12-13. Review status: criteria provided, single submitter. Criteria: GeneDx Variant Classification (06012015). Collection method: clinical testing. Allele origin: germline. Affected: yes.
Comment: This variant is considered likely benign or benign based on one or more of the following criteria: it is a conservative change, it occurs at a poorly conserved position in the protein, it is predicted to be benign by multiple in silico algorithms, and/or has population frequency not consistent with disease.

PreventionGenetics, part of Exact Sciences
Classification: Likely benign for BARD1-related condition. Last evaluated: 2020-03-23. Review status: no assertion criteria provided. Collection method: clinical testing. Allele origin: germline. Not counted in ClinVar's aggregate classification.
Comment: This variant is classified as likely benign based on ACMG/AMP sequence variant interpretation guidelines (Richards et al. 2015 PMID: 25741868, with internal and published modifications).

Literature cited by the submitters: PubMed 36243179 (cited by Quest Diagnostics Nichols Institute San Juan Capistrano); PubMed 33471991 (cited by Quest Diagnostics Nichols Institute San Juan Capistrano).

NM_000465.4(BARD1):c.1479A>G (p.Gln493=)

Gene: BARD1 (BRCA1 associated RING domain 1; minus strand). Cytogenetic location: 2q35.
Variant type: single nucleotide variant.
Coding change: c.1479A>G on transcript NM_000465.4 (MANE Select); coding-DNA position 1479, A replaced by G.
Protein change: p.Gln493=; no amino-acid change (glutamine 493 retained).
Molecular consequence: synonymous variant. On other transcripts: non-coding transcript variant (3), intron variant (3).
Genome position (GRCh38, 1-based): chr2:214,767,571, T>C on the plus strand (A>G on the coding strand, the complement: BARD1 is on the minus strand). VCF-style: chr2-214767571-T-C. GRCh37 (hg19) VCF-style: chr2-215632295-T-C.
Other names: c.1422A>G, p.Gln474= (NM_001282543.2); c.159-15016A>G (NM_001282548.2); c.216-15016A>G (NM_001282545.2); c.364+24726A>G (NM_001282549.2).
Identifiers: ClinVar variation 385318 (VCV000385318.49), dbSNP rs375029767, ClinGen allele CA2090249.